The following is an entry in ClinVar:

NM_001329943.3(KIAA0586):c.3422T>C (p.Leu1141Ser)

Gene: KIAA0586 (KIAA0586; plus strand). Cytogenetic location: 14q23.1.
Variant type: single nucleotide variant.
Coding change: c.3422T>C on transcript NM_001329943.3 (MANE Select); coding-DNA position 3422, T replaced by C.
Protein change: p.Leu1141Ser; replaces leucine 1141 with serine.
Molecular consequence: missense variant.
Genome position (GRCh38, 1-based): chr14:58,488,004, T>C. VCF-style: chr14-58488004-T-C. GRCh37 (hg19) VCF-style: chr14-58954722-T-C.
Other names: c.3581T>C, p.Leu1194Ser (NM_001244189.2); c.3377T>C, p.Leu1126Ser (NM_001244190.2); c.3167T>C, p.Leu1056Ser (NM_001244191.2, NM_001329945.2, NM_001364700.1 and 1 more transcripts); c.3290T>C, p.Leu1097Ser (NM_001244192.2); c.3002T>C, p.Leu1001Ser (NM_001244193.2); c.3422T>C, p.Leu1141Ser (NM_001329944.2, NM_001329946.2, NM_001329947.2); c.3194T>C, p.Leu1065Ser (NM_014749.5); short protein forms L1097S, L1194S, L1056S, L1141S, L1065S, L1126S, L1001S.
Identifiers: ClinVar variation 934309 (VCV000934309.9), dbSNP rs755937342, ClinGen allele CA7206154.

ClinVar aggregate classification (germline): Uncertain significance (1 of 4 stars; one submission).

Conditions:
Short-rib thoracic dysplasia 14 with polydactyly (SRTD14). Identifiers: Orphanet 397715, MedGen C4225286, MONDO:0014688, OMIM 616546.
Joubert syndrome 23 (JBTS23). Identifiers: Orphanet 475, MedGen C4084822, MONDO:0014664, OMIM 616490.

Allele frequency attached by ClinVar (database versions not stated): gnomAD 0.00001; gnomAD exomes 0.00001; ExAC 0.00002.
gnomAD v4.1: 4 of 1,612,324 alleles (0.00025%); highest among the groups gnomAD compares: Non-Finnish European, 0.00034%; no homozygotes.

Submission:

Labcorp Genetics (formerly Invitae), Labcorp
Classification: Uncertain significance for Joubert syndrome 23; Short-rib thoracic dysplasia 14 with polydactyly. Last evaluated: 2019-06-04. Review status: criteria provided, single submitter. Criteria: Invitae Variant Classification Sherloc (09022015). Collection method: clinical testing. Allele origin: germline.
Comment: In summary, the available evidence is currently insufficient to determine the role of this variant in disease. Therefore, it has been classified as a Variant of Uncertain Significance. Algorithms developed to predict the effect of missense changes on protein structure and function are either unavailable or do not agree on the potential impact of this missense change (SIFT: "Deleterious"; PolyPhen-2: "Possibly Damaging"; Align-GVGD: "Class C0"). This variant has not been reported in the literature in individuals with KIAA0586-related conditions. This variant is present in population databases (rs755937342, ExAC 0.003%). This sequence change replaces leucine with serine at codon 1194 of the KIAA0586 protein (p.Leu1194Ser). The leucine residue is moderately conserved and there is a large physicochemical difference between leucine and serine.